The following is an entry in ClinVar:

ClinVar aggregate classification (germline): Conflicting classifications of pathogenicity. Review status: criteria provided, conflicting classifications (1 of 4 stars). 4 submissions from 4 submitters: Uncertain significance (1); Benign (1); Likely benign (2). Last evaluated 2026-01-11.

Conditions:
KMT2D-related disorder. Also called: KMT2D-Related Disorders.
Kabuki syndrome. Also called: Kabuki make-up syndrome; NIIKAWA-KUROKI SYNDROME. Identifiers: Orphanet 2322, MedGen C0796004, MONDO:0016512.

Allele frequency attached by ClinVar (database versions not stated): gnomAD 0.00002; gnomAD exomes 0.00002 and 0.00003; TOPMed 0.00002; ExAC 0.00003; ESP Exome Variant Server 0.00016.

Submissions (4):

Labcorp Genetics (formerly Invitae), Labcorp
Classification: Benign for Kabuki syndrome. Last evaluated: 2026-01-11. Review status: criteria provided, single submitter. Criteria: Invitae Variant Classification Sherloc (09022015). Collection method: clinical testing. Allele origin: germline.

PreventionGenetics, part of Exact Sciences
Classification: Likely benign for KMT2D-related condition. Last evaluated: 2024-12-04. Review status: criteria provided, single submitter. Criteria: ACMG Guidelines, 2015. Collection method: clinical testing. Allele origin: germline.
Comment: This variant is classified as likely benign based on ACMG/AMP sequence variant interpretation guidelines (Richards et al. 2015 PMID: 25741868, with internal and published modifications).

Blueprint Genetics
Classification: Likely benign. Last evaluated: 2024-07-15. Review status: criteria provided, single submitter. Criteria: ACMG Guidelines, 2015. Collection method: clinical testing. Allele origin: germline.

Eurofins Ntd Llc (ga)
Classification: Uncertain significance. Last evaluated: 2017-12-22. Review status: criteria provided, single submitter. Criteria: EGL Classification Definitions 2015. Collection method: clinical testing. Allele origin: germline. Observed: 1 variant allele, 1 heterozygote.

NM_003482.4(KMT2D):c.1568C>T (p.Pro523Leu)

Gene: KMT2D (lysine methyltransferase 2D; minus strand). Cytogenetic location: 12q13.12.
Variant type: single nucleotide variant.
Coding change: c.1568C>T on transcript NM_003482.4 (MANE Select); coding-DNA position 1568, C replaced by T.
Protein change: p.Pro523Leu; replaces proline 523 with leucine.
Molecular consequence: missense variant.
Genome position (GRCh38, 1-based): chr12:49,052,115, G>A on the plus strand (C>T on the coding strand, the complement: KMT2D is on the minus strand). VCF-style: chr12-49052115-G-A. GRCh37 (hg19) VCF-style: chr12-49445898-G-A.
Other names: c.1568C>T (NM_003482.3); short protein forms P523L.
Identifiers: ClinVar variation 595296 (VCV000595296.15), dbSNP rs376761356, ClinGen allele CA6548458.